The following is an entry in ClinVar:

ClinVar aggregate classification (germline): Uncertain significance (1 of 4 stars; one submission).

Conditions:
Nephrolithiasis/nephrocalcinosis. Identifiers: MedGen CN580796.

Allele frequency attached by ClinVar (database versions not stated): gnomAD exomes below 0.00001.
gnomAD v4.1: 2 of 1,614,226 alleles (0.00012%); highest among the groups gnomAD compares: Non-Finnish European, 0.00017%; no homozygotes.

Submission:

Ambry Genetics
Classification: Uncertain significance for Nephrolithiasis/nephrocalcinosis. Last evaluated: 2021-09-05. Review status: criteria provided, single submitter. Criteria: Ambry Variant Classification Scheme 2023. Collection method: clinical testing. Allele origin: germline.
Comment: The p.E1043K variant (also known as c.3127G>A), located in coding exon 6 of the CASR gene, results from a G to A substitution at nucleotide position 3127. The glutamic acid at codon 1043 is replaced by lysine, an amino acid with similar properties. This amino acid position is conserved. In addition, the in silico prediction for this alteration is inconclusive. Since supporting evidence is limited at this time, the clinical significance of this alteration remains unclear.

NM_000388.4(CASR):c.3127G>A (p.Glu1043Lys)

Gene: CASR (calcium sensing receptor; plus strand). Cytogenetic location: 3q21.1.
Variant type: single nucleotide variant.
Coding change: c.3127G>A on transcript NM_000388.4 (MANE Select); coding-DNA position 3127, G replaced by A.
Protein change: p.Glu1043Lys; replaces glutamic acid 1043 with lysine.
Molecular consequence: missense variant.
Genome position (GRCh38, 1-based): chr3:122,285,081, G>A. VCF-style: chr3-122285081-G-A. GRCh37 (hg19) VCF-style: chr3-122003928-G-A.
Other names: c.3157G>A, p.Glu1053Lys (NM_001178065.2); short protein forms E1043K, E1053K.
Identifiers: ClinVar variation 1727908 (VCV001727908.2), dbSNP rs2473283877, ClinGen allele CA354161499.